The following is an entry in ClinVar:

NM_002691.4(POLD1):c.1099A>G (p.Lys367Glu)

Gene: POLD1 (DNA polymerase delta 1, catalytic subunit; plus strand). Cytogenetic location: 19q13.33.
Variant type: single nucleotide variant.
Coding change: c.1099A>G on transcript NM_002691.4 (MANE Select); coding-DNA position 1099, A replaced by G.
Protein change: p.Lys367Glu; replaces lysine 367 with glutamic acid.
Molecular consequence: missense variant. On other transcripts: non-coding transcript variant (1).
Genome position (GRCh38, 1-based): chr19:50,403,181, A>G. VCF-style: chr19-50403181-A-G. GRCh37 (hg19) VCF-style: chr19-50906438-A-G.
Other names: c.1099A>G, p.Lys367Glu (NM_001256849.1, NM_001308632.1); short protein forms K367E.
Identifiers: ClinVar variation 3421989 (VCV003421989.1).

ClinVar aggregate classification (germline): Uncertain significance (1 of 4 stars; one submission).

Conditions:
Hereditary cancer-predisposing syndrome. Also called: Neoplastic Syndromes, Hereditary; Tumor predisposition; Hereditary Cancer Syndrome; Hereditary neoplastic syndrome. Identifiers: Orphanet 140162, MedGen C0027672, MeSH D009386, MONDO:0015356.

Submission:

Ambry Genetics
Classification: Uncertain significance for Hereditary cancer-predisposing syndrome. Last evaluated: 2024-09-21. Review status: criteria provided, single submitter. Criteria: Ambry Variant Classification Scheme 2023. Collection method: clinical testing. Allele origin: germline.
Comment: The p.K367E variant (also known as c.1099A>G), located in coding exon 8 of the POLD1 gene, results from an A to G substitution at nucleotide position 1099. The lysine at codon 367 is replaced by glutamic acid, an amino acid with similar properties. This amino acid position is conserved. In addition, this alteration is predicted to be tolerated by in silico analysis. Based on the available evidence, the clinical significance of this variant remains unclear.